The following is an entry in ClinVar:

ClinVar aggregate classification (germline): Benign/Likely benign. Review status: criteria provided, multiple submitters, no conflicts (2 of 4 stars). 5 submissions from 4 submitters: Benign (3); Likely benign (1). 1 of the submissions does not count toward it. Last evaluated 2026-01-31.

Conditions:
ACTG1-related disorder. Also called: ACTG1-related disorders; ACTG1-related condition.
Autosomal dominant nonsyndromic hearing loss 20. Identifiers: Orphanet 90635, MedGen C1858172, MONDO:0011480, OMIM 604717.
Baraitser-winter syndrome 2. Identifiers: Orphanet 2995, MedGen C3281235, MONDO:0013812, OMIM 614583.

Allele frequency attached by ClinVar (database versions not stated): gnomAD exomes 0.00005 and 0.00010; ExAC 0.00011; TOPMed 0.00040; gnomAD 0.00045; 1000 Genomes Project 30x 0.00047; 1000 Genomes Project 0.00060.
gnomAD v4.1: 133 of 1,613,758 alleles (0.0082%); highest among the groups gnomAD compares: African/African-American, 0.16%; no homozygotes.

Submissions (5):

Labcorp Genetics (formerly Invitae), Labcorp
Classification: Likely benign for Baraitser-winter syndrome 2; Autosomal dominant nonsyndromic hearing loss 20. Last evaluated: 2026-01-31. Review status: criteria provided, single submitter. Criteria: Invitae Variant Classification Sherloc (09022015). Collection method: clinical testing. Allele origin: germline.

Genome-Nilou Lab
Classification: Benign for Baraitser-winter syndrome 2. Last evaluated: 2021-12-05. Review status: criteria provided, single submitter. Criteria: ACMG Guidelines, 2015. Collection method: clinical testing. Allele origin: germline. Affected: no.

Genome-Nilou Lab
Classification: Benign for Autosomal dominant nonsyndromic hearing loss 20. Last evaluated: 2021-12-05. Review status: criteria provided, single submitter. Criteria: ACMG Guidelines, 2015. Collection method: clinical testing. Allele origin: germline. Affected: no.

GeneDx
Classification: Benign. Last evaluated: 2018-10-26. Review status: criteria provided, single submitter. Criteria: GeneDx Variant Classification Process June 2021. Collection method: clinical testing. Allele origin: germline. Affected: yes.

PreventionGenetics, part of Exact Sciences
Classification: Likely benign for ACTG1-related condition. Last evaluated: 2024-06-17. Review status: no assertion criteria provided. Collection method: clinical testing. Allele origin: germline. Not counted in ClinVar's aggregate classification.
Comment: This variant is classified as likely benign based on ACMG/AMP sequence variant interpretation guidelines (Richards et al. 2015 PMID: 25741868, with internal and published modifications).

NM_001614.5(ACTG1):c.66T>G (p.Ala22=)

Genes: ACTG1 (actin gamma 1; minus strand), LOC130061940 (ATAC-STARR-seq lymphoblastoid active region 12964; plus strand). Cytogenetic location: 17q25.3.
Variant type: single nucleotide variant.
Coding change: c.66T>G on transcript NM_001614.5 (MANE Select); coding-DNA position 66, T replaced by G.
Protein change: p.Ala22=; no amino-acid change (alanine 22 retained).
Molecular consequence: synonymous variant. On other transcripts: non-coding transcript variant (1).
Genome position (GRCh38, 1-based): chr17:81,512,289, A>C on the plus strand (T>G on the coding strand, the complement: ACTG1 is on the minus strand). VCF-style: chr17-81512289-A-C. GRCh37 (hg19) VCF-style: chr17-79479315-A-C.
Other names: c.66T>G, p.Ala22= (NM_001199954.3).
Identifiers: ClinVar variation 705081 (VCV000705081.12), dbSNP rs149682185, ClinGen allele CA8836406.